The following is an entry in ClinVar:

ClinVar aggregate classification (germline): Uncertain significance (1 of 4 stars; one submission).

Allele frequency attached by ClinVar (database versions not stated): TOPMed 0.00001.
gnomAD v4.1: 7 of 1,609,864 alleles (0.00043%); highest among the groups gnomAD compares: East Asian, 0.0022%; no homozygotes.

Submission:

Labcorp Genetics (formerly Invitae), Labcorp
Classification: Uncertain significance. Last evaluated: 2022-07-30. Review status: criteria provided, single submitter. Criteria: Invitae Variant Classification Sherloc (09022015). Collection method: clinical testing. Allele origin: germline.
Comment: This sequence change replaces leucine, which is neutral and non-polar, with phenylalanine, which is neutral and non-polar, at codon 862 of the MCM4 protein (p.Leu862Phe). This variant is present in population databases (rs780654915, gnomAD 0.006%). This variant has not been reported in the literature in individuals affected with MCM4-related conditions. Algorithms developed to predict the effect of missense changes on protein structure and function (SIFT, PolyPhen-2, Align-GVGD) all suggest that this variant is likely to be tolerated. In summary, the available evidence is currently insufficient to determine the role of this variant in disease. Therefore, it has been classified as a Variant of Uncertain Significance.

NM_182746.3(MCM4):c.2586G>T (p.Leu862Phe)

Gene: MCM4 (minichromosome maintenance complex component 4; plus strand). Cytogenetic location: 8q11.21.
Variant type: single nucleotide variant.
Coding change: c.2586G>T on transcript NM_182746.3 (MANE Select); coding-DNA position 2586, G replaced by T.
Protein change: p.Leu862Phe; replaces leucine 862 with phenylalanine.
Molecular consequence: missense variant.
Genome position (GRCh38, 1-based): chr8:47,976,772, G>T. VCF-style: chr8-47976772-G-T. GRCh37 (hg19) VCF-style: chr8-48889332-G-T.
Other names: c.2586G>T, p.Leu862Phe (NM_005914.4); short protein forms L862F.
Identifiers: ClinVar variation 2004045 (VCV002004045.4), dbSNP rs780654915, ClinGen allele CA4742969.